The following is an entry in ClinVar:

NM_002246.3(KCNK3):c.967T>A (p.Tyr323Asn)

Gene: KCNK3 (potassium two pore domain channel subfamily K member 3; plus strand). Cytogenetic location: 2p23.3.
Variant type: single nucleotide variant.
Coding change: c.967T>A on transcript NM_002246.3 (MANE Select); coding-DNA position 967, T replaced by A.
Protein change: p.Tyr323Asn; replaces tyrosine 323 with asparagine.
Molecular consequence: missense variant.
Genome position (GRCh38, 1-based): chr2:26,728,350, T>A. VCF-style: chr2-26728350-T-A. GRCh37 (hg19) VCF-style: chr2-26951218-T-A.
Other names: short protein forms Y323N.
Identifiers: ClinVar variation 862866 (VCV000862866.10), dbSNP rs1663469133, ClinGen allele CA346263143.

ClinVar aggregate classification (germline): Uncertain significance (1 of 4 stars; one submission).

Conditions:
Pulmonary hypertension, primary, 4. Identifiers: Orphanet 422, MedGen C3809198, MONDO:0014136, OMIM 615344.

Submission:

Labcorp Genetics (formerly Invitae), Labcorp
Classification: Uncertain significance for Pulmonary hypertension, primary, 4. Last evaluated: 2019-12-31. Review status: criteria provided, single submitter. Criteria: Invitae Variant Classification Sherloc (09022015). Collection method: clinical testing. Allele origin: germline.
Comment: In summary, the available evidence is currently insufficient to determine the role of this variant in disease. Therefore, it has been classified as a Variant of Uncertain Significance. Algorithms developed to predict the effect of missense changes on protein structure and function (SIFT, PolyPhen-2, Align-GVGD) all suggest that this variant is likely to be tolerated, but these predictions have not been confirmed by published functional studies and their clinical significance is uncertain. This variant has not been reported in the literature in individuals with KCNK3-related conditions. This variant is not present in population databases (ExAC no frequency). This sequence change replaces tyrosine with asparagine at codon 323 of the KCNK3 protein (p.Tyr323Asn). The tyrosine residue is moderately conserved and there is a large physicochemical difference between tyrosine and asparagine.